The following is an entry in ClinVar:

ClinVar aggregate classification (germline): Uncertain significance (1 of 4 stars; one submission).

Submission:

GeneDx
Classification: Uncertain significance. Last evaluated: 2023-11-06. Review status: criteria provided, single submitter. Criteria: GeneDx Variant Classification Process June 2021. Collection method: clinical testing. Allele origin: germline. Affected: yes.
Comment: Not observed at significant frequency in large population cohorts (gnomAD); In silico analysis supports that this variant does not alter splicing; Has not been previously published as pathogenic or benign to our knowledge

NM_002691.4(POLD1):c.1227G>T (p.Arg409=)

Gene: POLD1 (DNA polymerase delta 1, catalytic subunit; plus strand). Cytogenetic location: 19q13.33.
Variant type: single nucleotide variant.
Coding change: c.1227G>T on transcript NM_002691.4 (MANE Select); coding-DNA position 1227, G replaced by T.
Protein change: p.Arg409=; no amino-acid change (arginine 409 retained).
Molecular consequence: synonymous variant. On other transcripts: non-coding transcript variant (1).
Genome position (GRCh38, 1-based): chr19:50,403,582, G>T. VCF-style: chr19-50403582-G-T. GRCh37 (hg19) VCF-style: chr19-50906839-G-T.
Other names: c.1227G>T, p.Arg409= (NM_001256849.1, NM_001308632.1).
Identifiers: ClinVar variation 3363872 (VCV003363872.1).
Genomic context (GRCh38, chr19:50,403,582, plus strand): 5'-CCCCGACGTGATCACCGGTTACAACATCCAGAACTTCGACCTTCCGTACCTCATCTCTCG[G>T]GCCCAGACCCTCAAGGTGAGGGCTGGGCAGGTGGGAGGCTTCTCTCAGATGCCCCAGGTG-3'
Protein context (NP_002682.2, residues 399-419): QNFDLPYLIS[Arg409=]AQTLKVQTFP